The following is an entry in ClinVar:

ClinVar aggregate classification (germline): Pathogenic (1 of 4 stars; one submission).

Submission:

Labcorp Genetics (formerly Invitae), Labcorp
Classification: Pathogenic. Last evaluated: 2024-10-22. Review status: criteria provided, single submitter. Criteria: Invitae Variant Classification Sherloc (09022015). Collection method: clinical testing. Allele origin: germline.
Comment: This sequence change creates a premature translational stop signal (p.Trp367*) in the MERTK gene. It is expected to result in an absent or disrupted protein product. Loss-of-function variants in MERTK are known to be pathogenic (PMID: 24265693, 29659094). This variant is not present in population databases (gnomAD no frequency). This variant has not been reported in the literature in individuals affected with MERTK-related conditions. ClinVar contains an entry for this variant (Variation ID: 1449144). For these reasons, this variant has been classified as Pathogenic.

Literature cited by the submitters: PubMed 24265693; PubMed 29659094.

NM_006343.3(MERTK):c.1100G>A (p.Trp367Ter)

Genes: MERTK (MER proto-oncogene, tyrosine kinase; plus strand), LOC112806037 (Sharpr-MPRA regulatory region 3720; plus strand). Cytogenetic location: 2q13.
Variant type: single nucleotide variant.
Coding change: c.1100G>A on transcript NM_006343.3 (MANE Select); coding-DNA position 1100, G replaced by A.
Protein change: p.Trp367Ter; replaces tryptophan 367 with a stop codon.
Molecular consequence: nonsense.
Genome position (GRCh38, 1-based): chr2:111,975,428, G>A. VCF-style: chr2-111975428-G-A. GRCh37 (hg19) VCF-style: chr2-112733005-G-A.
Other names: short protein forms W367*.
Identifiers: ClinVar variation 1449144 (VCV001449144.6), dbSNP rs2104733931, ClinGen allele CA348233707.
Genomic context (GRCh38, chr2:111,975,428, plus strand): 5'-AGCAGCTGCAAGCCCTGGCTAATTACAGCATTGGTGTTTCCTGCATGAATGAAATAGGCT[G>A]GTCTGCAGTGAGCCCTTGGATTCTAGCCAGCACGACTGAAGGAGGTAATTCCTGGGGTTC-3'